The following is an entry in ClinVar:

NM_001399.5(EDA):c.502+1G>A

Gene: EDA (ectodysplasin A; plus strand). Cytogenetic location: Xq13.1.
Variant type: single nucleotide variant.
Coding change: c.502+1G>A on transcript NM_001399.5 (MANE Select); the canonical splice donor site of the intron after coding-DNA position 502, G replaced by A.
Molecular consequence: splice donor variant.
Genome position (GRCh38, 1-based): chrX:69,957,133, G>A. VCF-style: chrX-69957133-G-A. GRCh37 (hg19) VCF-style: chrX-69176983-G-A.
Other names: c.502+1G>A (NM_001005609.2, NM_001005612.3).
Identifiers: ClinVar variation 179641 (VCV000179641.4), dbSNP rs727505013, ClinGen allele CA273640.

ClinVar aggregate classification (germline): Pathogenic (1 of 4 stars; one submission).

Conditions:
Hypohidrotic X-linked ectodermal dysplasia (XHED). Also called: ECTODERMAL DYSPLASIA, HYPOHIDROTIC, 1; CST SYNDROME; ECTODERMAL DYSPLASIA 1; Ectodermal Dysplasia 1, Anhidrotic; Anhidrotic ectodermal dysplasia X-linked; Christ Siemens Touraine syndrome. Identifiers: Orphanet 181, Orphanet 238468, MedGen C0162359, MONDO:0010585, OMIM 305100.

Submission:

Laboratory for Molecular Medicine, Mass General Brigham Personalized Medicine
Classification: Pathogenic for Hypohidrotic X-linked ectodermal dysplasia. Last evaluated: 2014-02-28. Review status: criteria provided, single submitter. Criteria: LMM Criteria. Collection method: clinical testing. Allele origin: germline. Inheritance: X-linked inheritance. Observed: 2 variant alleles.
Comment: The c.502+1G>A variant in EDA has not been reported in any other families with X -linked hypohidrotic ectodermal dysplasia (XLHED) and was absent from large popu lation studies. This variant occurs in the invariant region (+/- 1,2) of the sp lice consensus sequence and is predicted to cause altered splicing leading to an abnormal or absent protein. In summary, this variant meets our criteria to be classified as pathogenic for HED in an X-linked manner (personalizedmedicine/LMM) based upon predicted impact to the protein and absence from controls.